The following is an entry in ClinVar:

NM_015214.3(DDHD2):c.1783C>T (p.Arg595Trp)

Gene: DDHD2 (DDHD domain containing 2; plus strand). Cytogenetic location: 8p11.23.
Variant type: single nucleotide variant.
Coding change: c.1783C>T on transcript NM_015214.3 (MANE Select); coding-DNA position 1783, C replaced by T.
Protein change: p.Arg595Trp; replaces arginine 595 with tryptophan.
Molecular consequence: missense variant. On other transcripts: non-coding transcript variant (2).
Genome position (GRCh38, 1-based): chr8:38,253,019, C>T. VCF-style: chr8-38253019-C-T. GRCh37 (hg19) VCF-style: chr8-38110537-C-T.
Other names: c.1783C>T, p.Arg595Trp (NM_001164232.2, NM_001362911.2, NM_001362912.2 and 1 more transcripts); c.1693C>T, p.Arg565Trp (NM_001362913.2); c.1783C>T (NM_015214.2); short protein forms R565W, R595W.
Identifiers: ClinVar variation 1434012 (VCV001434012.7), dbSNP rs1215601645, ClinGen allele CA370695198.

ClinVar aggregate classification (germline): Uncertain significance. Review status: criteria provided, multiple submitters, no conflicts (2 of 4 stars). 2 submissions from 2 submitters: Uncertain significance (2). Last evaluated 2024-03-29.

Conditions:
Inborn genetic diseases. Identifiers: MedGen C0950123, MeSH D030342.
Hereditary spastic paraplegia 54. Also called: Spastic paraplegia 54, autosomal recessive. Identifiers: Orphanet 320380, MedGen C3539495, MONDO:0014018, OMIM 615033.

Allele frequency attached by ClinVar (database versions not stated): gnomAD exomes below 0.00001; TOPMed below 0.00001; gnomAD 0.00001.
gnomAD v4.1: 9 of 1,613,982 alleles (0.00056%); highest among the groups gnomAD compares: South Asian, 0.0022%; no homozygotes.

Submissions (2):

Ambry Genetics
Classification: Uncertain significance for Inborn genetic diseases. Last evaluated: 2024-03-29. Review status: criteria provided, single submitter. Criteria: Ambry Variant Classification Scheme 2023. Collection method: clinical testing. Allele origin: germline.

Labcorp Genetics (formerly Invitae), Labcorp
Classification: Uncertain significance for Hereditary spastic paraplegia 54. Last evaluated: 2024-02-17. Review status: criteria provided, single submitter. Criteria: Invitae Variant Classification Sherloc (09022015). Collection method: clinical testing. Allele origin: germline.
Comment: This sequence change replaces arginine, which is basic and polar, with tryptophan, which is neutral and slightly polar, at codon 595 of the DDHD2 protein (p.Arg595Trp). This variant is present in population databases (no rsID available, gnomAD 0.0009%). This variant has not been reported in the literature in individuals affected with DDHD2-related conditions. ClinVar contains an entry for this variant (Variation ID: 1434012). Advanced modeling of protein sequence and biophysical properties (such as structural, functional, and spatial information, amino acid conservation, physicochemical variation, residue mobility, and thermodynamic stability) performed at Invitae indicates that this missense variant is expected to disrupt DDHD2 protein function with a positive predictive value of 80%. In summary, the available evidence is currently insufficient to determine the role of this variant in disease. Therefore, it has been classified as a Variant of Uncertain Significance.